The following is an entry in ClinVar:

NM_020435.4(GJC2):c.575C>G (p.Pro192Arg)

Gene: GJC2 (gap junction protein gamma 2; plus strand). Cytogenetic location: 1q42.13.
Variant type: single nucleotide variant.
Coding change: c.575C>G on transcript NM_020435.4 (MANE Select); coding-DNA position 575, C replaced by G.
Protein change: p.Pro192Arg; replaces proline 192 with arginine.
Molecular consequence: missense variant.
Genome position (GRCh38, 1-based): chr1:228,158,333, C>G. VCF-style: chr1-228158333-C-G. GRCh37 (hg19) VCF-style: chr1-228346034-C-G.
Other names: short protein forms P192R.
Identifiers: ClinVar variation 429631 (VCV000429631.54), dbSNP rs375318012, ClinGen allele CA1430879.

ClinVar aggregate classification (germline): Conflicting classifications of pathogenicity. Review status: criteria provided, conflicting classifications (1 of 4 stars). 10 submissions from 10 submitters: Uncertain significance (1); Likely benign (4). 5 of the submissions do not count toward it. Last evaluated 2025-12-30.

Conditions:
GJC2-related disorder. Also called: GJC2-related condition; GJC2-related disorders. Identifiers: MedGen CN230087.
Spastic paraplegia. Identifiers: MedGen C0037772, HP:0001258.
Inborn genetic diseases. Identifiers: MedGen C0950123, MeSH D030342.

Allele frequency attached by ClinVar (database versions not stated): 1000 Genomes Project 30x 0.00016; TOPMed 0.00092; ESP Exome Variant Server 0.00096; gnomAD 0.00111 and 0.00116; ExAC 0.00337.

Submissions (10):

Labcorp Genetics (formerly Invitae), Labcorp
Classification: Likely benign for Spastic paraplegia. Last evaluated: 2025-12-30. Review status: criteria provided, single submitter. Criteria: Invitae Variant Classification Sherloc (09022015). Collection method: clinical testing. Allele origin: germline.

Ambry Genetics
Classification: Likely benign for Inborn genetic diseases. Last evaluated: 2025-01-16. Review status: criteria provided, single submitter. Criteria: Ambry Variant Classification Scheme 2023. Collection method: clinical testing. Allele origin: germline.

Mayo Clinic Laboratories, Mayo Clinic
Classification: Likely benign. Last evaluated: 2024-12-09. Review status: criteria provided, single submitter. Criteria: ACMG Guidelines, 2015. Collection method: clinical testing. Allele origin: germline. Observed: 5 variant alleles.
Comment: BS1, BP4

GeneDx
Classification: Uncertain significance. Last evaluated: 2023-11-03. Review status: criteria provided, single submitter. Criteria: GeneDx Variant Classification Process June 2021. Collection method: clinical testing. Allele origin: germline. Affected: yes.
Comment: In silico analysis supports that this missense variant does not alter protein structure/function; Has not been previously published as pathogenic or benign to our knowledge

CeGaT Center for Human Genetics Tuebingen
Classification: Likely benign. Last evaluated: 2023-06-01. Review status: criteria provided, single submitter. Criteria: CeGaT Center For Human Genetics Tuebingen Variant Classification Criteria Version 2. Collection method: clinical testing. Allele origin: germline. Affected: yes. Observed: 1 variant allele.
Comment: GJC2: PP3, BS1

PreventionGenetics, part of Exact Sciences
Classification: Likely benign for GJC2-related condition. Last evaluated: 2022-08-10. Review status: no assertion criteria provided. Collection method: clinical testing. Allele origin: germline. Not counted in ClinVar's aggregate classification.
Comment: This variant is classified as likely benign based on ACMG/AMP sequence variant interpretation guidelines (Richards et al. 2015 PMID: 25741868, with internal and published modifications).

Clinical Genetics DNA and cytogenetics Diagnostics Lab, Erasmus MC, Erasmus Medical Center
Classification: Likely benign. Review status: no assertion criteria provided. Collection method: clinical testing. Allele origin: germline. Affected: yes. Study: VKGL Data-share Consensus. Not counted in ClinVar's aggregate classification.

Department of Pathology and Laboratory Medicine, Sinai Health System
Classification: Uncertain significance. Review status: no assertion criteria provided. Collection method: clinical testing. Allele origin: unknown. Affected: yes. Study: The Canadian Open Genetics Repository (COGR). Not counted in ClinVar's aggregate classification.
Comment: The GJC2 p.Pro192Arg variant was not identified in the literature nor was it identified in Cosmic. The variant was also identified in dbSNP (ID: rs375318012), ClinVar (classified as a VUS by GeneDx and as likely benign by Invitae for spastic paraplegia) and LOVD 3.0. The variant was identified in control databases in 252 of 205450 chromosomes at a frequency of 0.001227 increasing the likelihood this could be a low frequency benign variant (Genome Aggregation Database Feb 27, 2017). The variant was observed in the following populations: European (non-Finnish) in 210 of 88836 chromosomes (freq: 0.002364), Other in 7 of 5768 chromosomes (freq: 0.001214), South Asian in 18 of 26482 chromosomes (freq: 0.00068), African in 10 of 18612 chromosomes (freq: 0.000537), European (Finnish) in 4 of 13868 chromosomes (freq: 0.000288) and Latino in 3 of 28306 chromosomes (freq: 0.000106); it was not observed in the Ashkenazi Jewish and East Asian populations. The p.Pro192 residue is conserved in mammals but not in more distantly related organisms however four out of five computational analyses (PolyPhen-2, SIFT, AlignGVGD, MutationTaster) do not suggest a high likelihood of impact to the protein; this information is not predictive enough to rule out pathogenicity. In summary, based on the above information the clinical significance of this variant cannot be determined with certainty at this time. This variant is classified as a variant of uncertain significance.

Joint Genome Diagnostic Labs from Nijmegen and Maastricht, Radboudumc and MUMC+
Classification: Likely benign. Review status: no assertion criteria provided. Collection method: clinical testing. Allele origin: germline. Affected: yes. Study: VKGL Data-share Consensus. Not counted in ClinVar's aggregate classification.

Laboratory of Diagnostic Genome Analysis, Leiden University Medical Center (LUMC)
Classification: Likely benign. Review status: no assertion criteria provided. Collection method: clinical testing. Allele origin: germline. Affected: yes. Study: VKGL Data-share Consensus. Not counted in ClinVar's aggregate classification.